The following is an entry in ClinVar:

NM_024577.4(SH3TC2):c.2775G>A (p.Trp925Ter)

Gene: SH3TC2 (SH3 domain and tetratricopeptide repeats 2; minus strand). Cytogenetic location: 5q32.
Variant type: single nucleotide variant.
Coding change: c.2775G>A on transcript NM_024577.4 (MANE Select); coding-DNA position 2775, G replaced by A.
Protein change: p.Trp925Ter; replaces tryptophan 925 with a stop codon.
Molecular consequence: nonsense.
Genome position (GRCh38, 1-based): chr5:149,026,957, C>T on the plus strand (G>A on the coding strand, the complement: SH3TC2 is on the minus strand). VCF-style: chr5-149026957-C-T. GRCh37 (hg19) VCF-style: chr5-148406520-C-T.
Other names: short protein forms W925*.
Identifiers: ClinVar variation 1076648 (VCV001076648.9), dbSNP rs757701609, ClinGen allele CA3498934.

ClinVar aggregate classification (germline): Pathogenic (1 of 4 stars; one submission).

Conditions:
Charcot-Marie-Tooth disease type 4. Also called: Charcot-Marie-Tooth disease, type IV; Charcot-Marie-Tooth, Type 4. Identifiers: Orphanet 64749, MedGen C4082197, MONDO:0018995.

Allele frequency attached by ClinVar (database versions not stated): ExAC 0.00001; gnomAD 0.00001; gnomAD exomes 0.00001.
gnomAD v4.1: 8 of 1,614,080 alleles (0.0005%); highest among the groups gnomAD compares: South Asian, 0.0088%; no homozygotes.

Submission:

Labcorp Genetics (formerly Invitae), Labcorp
Classification: Pathogenic for Charcot-Marie-Tooth disease type 4. Last evaluated: 2023-09-06. Review status: criteria provided, single submitter. Criteria: Invitae Variant Classification Sherloc (09022015). Collection method: clinical testing. Allele origin: germline.
Comment: For these reasons, this variant has been classified as Pathogenic. ClinVar contains an entry for this variant (Variation ID: 1076648). This premature translational stop signal has been observed in individual(s) with Charcot-Marie-Tooth disease (PMID: 29184351). This variant is present in population databases (rs757701609, gnomAD 0.01%). This sequence change creates a premature translational stop signal (p.Trp925*) in the SH3TC2 gene. It is expected to result in an absent or disrupted protein product. Loss-of-function variants in SH3TC2 are known to be pathogenic (PMID: 20220177, 27068304).

Literature cited by the submitters: PubMed 29184351; PubMed 20220177; PubMed 27068304.